The following is an entry in ClinVar:

ClinVar aggregate classification (germline): Pathogenic/Likely pathogenic. Review status: criteria provided, multiple submitters, no conflicts (2 of 4 stars). 2 submissions from 2 submitters: Pathogenic (1); Likely pathogenic (1). Last evaluated 2023-07-03.

Conditions:
Inborn genetic diseases. Identifiers: MedGen C0950123, MeSH D030342.
Neuropathy, hereditary sensory, type 2C. Also called: KIF1A-Related HSAN2 (HSAN2C); Hereditary sensory and autonomic neuropathy type IIC. Identifiers: Orphanet 970, MedGen C3280168, MONDO:0013634, OMIM 614213.
Intellectual disability, autosomal dominant 9 (NESCAVS). Also called: NESCAV SYNDROME; KIF1A-Related Neurodevelopmental Disorder. Identifiers: Orphanet 662367, MedGen C5393830, MONDO:0013656, OMIM 614255.
Hereditary spastic paraplegia 30. Identifiers: Orphanet 101010, MedGen C5235139, MONDO:0012476.

Submissions (2):

Labcorp Genetics (formerly Invitae), Labcorp
Classification: Likely pathogenic for Hereditary spastic paraplegia 30; Neuropathy, hereditary sensory, type 2C; Intellectual disability, autosomal dominant 9. Last evaluated: 2023-07-03. Review status: criteria provided, single submitter. Criteria: Invitae Variant Classification Sherloc (09022015). Collection method: clinical testing. Allele origin: germline.
Comment: ClinVar contains an entry for this variant (Variation ID: 521233). In summary, the currently available evidence indicates that the variant is pathogenic, but additional data are needed to prove that conclusively. Therefore, this variant has been classified as Likely Pathogenic. This variant disrupts the p.Glu267 amino acid residue in KIF1A. Other variant(s) that disrupt this residue have been determined to be pathogenic (Invitae). This suggests that this residue is clinically significant, and that variants that disrupt this residue are likely to be disease-causing. Algorithms developed to predict the effect of sequence changes on RNA splicing suggest that this variant may create or strengthen a splice site. An algorithm developed to predict the effect of missense changes on protein structure and function (PolyPhen-2) suggests that this variant is likely to be disruptive. This missense change has been observed in individuals with clinical features of autosomal dominant hereditary spastic paraplegia (PMID: 31628766; Invitae). This variant is not present in population databases (gnomAD no frequency). This sequence change replaces glutamic acid, which is acidic and polar, with lysine, which is basic and polar, at codon 267 of the KIF1A protein (p.Glu267Lys).

Ambry Genetics
Classification: Pathogenic for Inborn genetic diseases. Last evaluated: 2016-08-17. Review status: criteria provided, single submitter. Criteria: Ambry exome assertion method (8-5-2015). Collection method: clinical testing. Allele origin: germline. Affected: yes. Observed: 1 variant allele.

Literature cited by the submitters: PubMed 31628766 (cited by Labcorp Genetics (formerly Invitae), Labcorp).

NM_001244008.2(KIF1A):c.799G>A (p.Glu267Lys)

Gene: KIF1A (kinesin family member 1A; minus strand). Cytogenetic location: 2q37.3.
Variant type: single nucleotide variant.
Coding change: c.799G>A on transcript NM_001244008.2 (MANE Select); coding-DNA position 799, G replaced by A.
Protein change: p.Glu267Lys; replaces glutamic acid 267 with lysine.
Molecular consequence: missense variant.
Genome position (GRCh38, 1-based): chr2:240,783,109, C>T on the plus strand (G>A on the coding strand, the complement: KIF1A is on the minus strand). VCF-style: chr2-240783109-C-T. GRCh37 (hg19) VCF-style: chr2-241722526-C-T.
Other names: c.799G>A, p.Glu267Lys (NM_001320705.2, NM_001330289.2, NM_001330290.2 and 20 more transcripts); short protein forms E267K.
Identifiers: ClinVar variation 521233 (VCV000521233.12), dbSNP rs1553637932, ClinGen allele CA351302716.